The following is an entry in ClinVar:

ClinVar aggregate classification (germline): Likely benign. Review status: criteria provided, multiple submitters, no conflicts (2 of 4 stars). 2 submissions from 2 submitters: Likely benign (2). Last evaluated 2025-11-06.

Conditions:
Charcot-Marie-Tooth disease dominant intermediate B (CMTDIB). Also called: Charcot-Marie-Tooth disease dominant intermediate 1; CMT DI1; Charcot-Marie-Tooth disease dominant intermediate I; CHARCOT-MARIE-TOOTH NEUROPATHY, DOMINANT INTERMEDIATE B. Identifiers: Orphanet 100044, Orphanet 228179, MedGen C1847902, MONDO:0011674, OMIM 606482.

Allele frequency attached by ClinVar (database versions not stated): ExAC 0.00001; gnomAD exomes 0.00001; gnomAD 0.00005 and 0.00006; TOPMed 0.00013; 1000 Genomes Project 30x 0.00016; 1000 Genomes Project 0.00020.
gnomAD v4.1: 14 of 1,613,820 alleles (0.00087%); highest among the groups gnomAD compares: Admixed American, 0.012%; no homozygotes.

Submissions (2):

Labcorp Genetics (formerly Invitae), Labcorp
Classification: Likely benign for Charcot-Marie-Tooth disease dominant intermediate B. Last evaluated: 2025-11-06. Review status: criteria provided, single submitter. Criteria: Invitae Variant Classification Sherloc (09022015). Collection method: clinical testing. Allele origin: germline.

Mayo Clinic Laboratories, Mayo Clinic
Classification: Likely benign. Last evaluated: 2025-03-26. Review status: criteria provided, single submitter. Criteria: ACMG Guidelines, 2015. Collection method: clinical testing. Allele origin: germline. Observed: 1 variant allele.
Comment: BP4, BP7

NM_001005361.3(DNM2):c.2151G>A (p.Gln717=)

Gene: DNM2 (dynamin 2; plus strand). Cytogenetic location: 19p13.2.
Variant type: single nucleotide variant.
Coding change: c.2151G>A on transcript NM_001005361.3 (MANE Select); coding-DNA position 2151, G replaced by A.
Protein change: p.Gln717=; no amino-acid change (glutamine 717 retained).
Molecular consequence: synonymous variant.
Genome position (GRCh38, 1-based): chr19:10,829,128, G>A. VCF-style: chr19-10829128-G-A. GRCh37 (hg19) VCF-style: chr19-10939804-G-A.
Other names: p.Gln717=; c.2151G>A, p.Gln717= (NM_001005360.3, NM_001190716.2); c.2139G>A, p.Gln713= (NM_001005362.3, NM_004945.4); c.2151G>A (NM_001005360.2).
Identifiers: ClinVar variation 1142560 (VCV001142560.10), dbSNP rs543921898, ClinGen allele CA9201534.